The following is an entry in ClinVar:

NM_001042492.3(NF1):c.8109G>C (p.Leu2703=)

Gene: NF1 (neurofibromin 1; plus strand). Cytogenetic location: 17q11.2.
Variant type: single nucleotide variant.
Coding change: c.8109G>C on transcript NM_001042492.3 (MANE Select); coding-DNA position 8109, G replaced by C.
Protein change: p.Leu2703=; no amino-acid change (leucine 2703 retained).
Molecular consequence: synonymous variant.
Genome position (GRCh38, 1-based): chr17:31,358,618, G>C. VCF-style: chr17-31358618-G-C. GRCh37 (hg19) VCF-style: chr17-29685636-G-C.
Other names: c.8046G>C, p.Leu2682= (NM_000267.4).
Identifiers: ClinVar variation 4734794 (VCV004734794.2).

ClinVar aggregate classification (germline): Benign/Likely benign. Review status: criteria provided, multiple submitters, no conflicts (2 of 4 stars). 2 submissions from 2 submitters: Benign (1); Likely benign (1). Last evaluated 2026-05-22.

Conditions:
Neurofibromatosis, type 1 (NF1). Also called: VON RECKLINGHAUSEN DISEASE; NEUROFIBROMATOSIS, TYPE I, SOMATIC; Peripheral type neurofibromatosis; Neurofibromatosis, type I. Identifiers: Orphanet 636, MedGen C0027831, MONDO:0018975, OMIM 162200. Disease mechanism: loss of function.

Submissions (2):

Myriad Genetics, Inc.
Classification: Benign for Neurofibromatosis, type 1. Last evaluated: 2026-05-22. Review status: criteria provided, single submitter. Criteria: Myriad Autosomal Dominant, Autosomal Recessive and X-Linked Classification Criteria (2023). Collection method: clinical testing. Allele origin: unknown.
Comment: This variant is considered benign. This variant is a silent/synonymous amino acid change and it is not expected to impact splicing.

Labcorp Genetics (formerly Invitae), Labcorp
Classification: Likely benign for Neurofibromatosis, type 1. Last evaluated: 2026-01-06. Review status: criteria provided, single submitter. Criteria: Invitae Variant Classification Sherloc (09022015). Collection method: clinical testing. Allele origin: germline.